The following is an entry in ClinVar:

ClinVar aggregate classification (germline): Uncertain significance (1 of 4 stars; one submission).

Allele frequency attached by ClinVar (database versions not stated): gnomAD exomes 0.00001; ExAC 0.00002; gnomAD 0.00003; TOPMed 0.00004.
gnomAD v4.1: 17 of 1,614,230 alleles (0.0011%); highest among the groups gnomAD compares: South Asian, 0.0022%; no homozygotes.

Submission:

Ambry Genetics
Classification: Uncertain significance. Last evaluated: 2022-09-12. Review status: criteria provided, single submitter. Criteria: Ambry Variant Classification Scheme 2023. Collection method: clinical testing. Allele origin: germline.
Comment: The p.R1915C variant (also known as c.5743C>T), located in coding exon 8 of the ALPK2 gene, results from a C to T substitution at nucleotide position 5743. The arginine at codon 1915 is replaced by cysteine, an amino acid with highly dissimilar properties. This amino acid position is conserved. In addition, this alteration is predicted to be tolerated by in silico analysis. Since supporting evidence is limited at this time, the clinical significance of this alteration remains unclear.

NM_052947.4(ALPK2):c.5743C>T (p.Arg1915Cys)

Gene: ALPK2 (alpha kinase 2; minus strand). Cytogenetic location: 18q21.31.
Variant type: single nucleotide variant.
Coding change: c.5743C>T on transcript NM_052947.4 (MANE Select); coding-DNA position 5743, C replaced by T.
Protein change: p.Arg1915Cys; replaces arginine 1915 with cysteine.
Molecular consequence: missense variant.
Genome position (GRCh38, 1-based): chr18:58,517,105, G>A on the plus strand (C>T on the coding strand, the complement: ALPK2 is on the minus strand). VCF-style: chr18-58517105-G-A. GRCh37 (hg19) VCF-style: chr18-56184337-G-A.
Other names: short protein forms R1915C.
Identifiers: ClinVar variation 1749398 (VCV001749398.2), dbSNP rs754653638, ClinGen allele CA8976369.